The following is an entry in ClinVar:

ClinVar aggregate classification (germline): Likely pathogenic (1 of 4 stars; one submission).

Conditions:
Primary ciliary dyskinesia. Also called: Ciliary dyskinesia. Identifiers: Orphanet 244, MedGen C0008780, MONDO:0016575, HP:0012265.

Submission:

Labcorp Genetics (formerly Invitae), Labcorp
Classification: Likely pathogenic for Primary ciliary dyskinesia. Last evaluated: 2023-11-07. Review status: criteria provided, single submitter. Criteria: Invitae Variant Classification Sherloc (09022015). Collection method: clinical testing. Allele origin: germline.
Comment: This sequence change affects a donor splice site in intron 16 of the DNAH5 gene. It is expected to disrupt RNA splicing. Variants that disrupt the donor or acceptor splice site typically lead to a loss of protein function (PMID: 16199547), and loss-of-function variants in DNAH5 are known to be pathogenic (PMID: 11788826, 16627867). This variant is not present in population databases (gnomAD no frequency). This variant has not been reported in the literature in individuals affected with DNAH5-related conditions. Algorithms developed to predict the effect of sequence changes on RNA splicing suggest that this variant may disrupt the consensus splice site. In summary, the currently available evidence indicates that the variant is pathogenic, but additional data are needed to prove that conclusively. Therefore, this variant has been classified as Likely Pathogenic.

Literature cited by the submitters: PubMed 16199547; PubMed 11788826; PubMed 16627867.

NM_001369.3(DNAH5):c.2431+1G>T

Genes: DNAH5 (dynein axonemal heavy chain 5; minus strand), DNAH5-AS1 (DNAH5 antisense RNA 1; plus strand). Cytogenetic location: 5p15.2.
Variant type: single nucleotide variant.
Coding change: c.2431+1G>T on transcript NM_001369.3 (MANE Select); the canonical splice donor site of the intron after coding-DNA position 2431, G replaced by T.
Molecular consequence: splice donor variant.
Genome position (GRCh38, 1-based): chr5:13,894,649, C>A on the plus strand (G>T on the coding strand, the complement: DNAH5 is on the minus strand). VCF-style: chr5-13894649-C-A. GRCh37 (hg19) VCF-style: chr5-13894758-C-A.
Identifiers: ClinVar variation 2694169 (VCV002694169.3), dbSNP rs2547068431, ClinGen allele CA359200510.